The following is an entry in ClinVar:

NM_000497.4(CYP11B1):c.1347G>T (p.Gln449His)

Genes: CYP11B1 (cytochrome P450 family 11 subfamily B member 1; minus strand), LOC106799833 (CYP11B1 recombination region; plus strand). Cytogenetic location: 8q24.3.
Variant type: single nucleotide variant.
Coding change: c.1347G>T on transcript NM_000497.4 (MANE Select); coding-DNA position 1347, G replaced by T.
Protein change: p.Gln449His; replaces glutamine 449 with histidine.
Molecular consequence: missense variant. On other transcripts: intron variant (1).
Genome position (GRCh38, 1-based): chr8:142,875,008, C>A on the plus strand (G>T on the coding strand, the complement: CYP11B1 is on the minus strand). VCF-style: chr8-142875008-C-A. GRCh37 (hg19) VCF-style: chr8-143956424-C-A.
Other names: c.1200+226G>T (NM_001026213.1); short protein forms Q449H.
Identifiers: ClinVar variation 4685312 (VCV004685312.1).

ClinVar aggregate classification (germline): Uncertain significance (1 of 4 stars; one submission).

Submission:

GeneDx
Classification: Uncertain significance. Last evaluated: 2025-07-11. Review status: criteria provided, single submitter. Criteria: GeneDx Variant Classification Process June 2021. Collection method: clinical testing. Allele origin: germline. Affected: yes.
Comment: Not observed at significant frequency in large population cohorts (gnomAD); In silico analysis supports that this missense variant has a deleterious effect on protein structure/function; Has not been previously published as pathogenic or benign to our knowledge